The following is an entry in ClinVar:

NC_000009.11:g.(?_136501494)_(136523569_?)dup

Gene: DBH (dopamine beta-hydroxylase; plus strand). Cytogenetic location: 9q34.2.
Variant type: Duplication.
Identifiers: ClinVar variation 2423394 (VCV002423394.5).

ClinVar aggregate classification (germline): Uncertain significance (1 of 4 stars; one submission).

Conditions:
Orthostatic hypotension 1 (ORTHYP1). Also called: Orthostatic hypotension 1, due to DBH deficiency; NORADRENALINE DEFICIENCY; NOREPINEPHRINE DEFICIENCY; Dopamine beta-hydroxylase deficiency. Identifiers: Orphanet 230, MedGen C4746777, MONDO:0009123, OMIM 223360.

Submission:

Labcorp Genetics (formerly Invitae), Labcorp
Classification: Uncertain significance for Orthostatic hypotension 1. Last evaluated: 2022-08-15. Review status: criteria provided, single submitter. Criteria: Invitae Variant Classification Sherloc (09022015). Collection method: clinical testing. Allele origin: germline.
Comment: A copy number gain of the genomic region encompassing the full coding sequence of the DBH gene has been identified. The boundaries of this event are unknown as they extend beyond the assayed region for this gene and therefore may encompass additional genes. As the precise location of this event is unknown, it may be in tandem or it may be located elsewhere in the genome. This variant has not been reported in the literature in individuals affected with DBH-related conditions. In summary, the available evidence is currently insufficient to determine the role of this variant in disease. Therefore, it has been classified as a Variant of Uncertain Significance.